The following is an entry in ClinVar:

ClinVar aggregate classification (germline): Benign/Likely benign. Review status: criteria provided, multiple submitters, no conflicts (2 of 4 stars). 5 submissions from 5 submitters: Benign (1); Likely benign (3). 1 of the submissions does not count toward it. Last evaluated 2026-01-28.

Conditions:
SYNE2-related disorder. Also called: SYNE2-related condition.
Emery-Dreifuss muscular dystrophy 5, autosomal dominant (EDMD5). Also called: EMERY-DREIFUSS MUSCULAR DYSTROPHY 5. Identifiers: Orphanet 261, MedGen C2751805, MONDO:0013072, OMIM 612999.

Allele frequency attached by ClinVar (database versions not stated): ExAC 0.00013; 1000 Genomes Project 30x 0.00016; gnomAD exomes 0.00016 and 0.00053; 1000 Genomes Project 0.00020; ESP Exome Variant Server 0.00023; gnomAD 0.00024; TOPMed 0.00037.
gnomAD v4.1: 808 of 1,614,058 alleles (0.05%); highest among the groups gnomAD compares: Non-Finnish European, 0.064%; 1 homozygote.

Submissions (5):

Labcorp Genetics (formerly Invitae), Labcorp
Classification: Likely benign for Emery-Dreifuss muscular dystrophy 5, autosomal dominant. Last evaluated: 2026-01-28. Review status: criteria provided, single submitter. Criteria: Invitae Variant Classification Sherloc (09022015). Collection method: clinical testing. Allele origin: germline.

CeGaT Center for Human Genetics Tuebingen
Classification: Likely benign. Last evaluated: 2024-07-01. Review status: criteria provided, single submitter. Criteria: CeGaT Center For Human Genetics Tuebingen Variant Classification Criteria Version 2. Collection method: clinical testing. Allele origin: germline. Affected: yes. Observed: 1 variant allele.
Comment: SYNE2: BP4, BP7

Blueprint Genetics
Classification: Likely benign. Last evaluated: 2024-03-24. Review status: criteria provided, single submitter. Criteria: ACMG Guidelines, 2015. Collection method: clinical testing. Allele origin: germline.

Illumina Laboratory Services, Illumina
Classification: Benign for Emery-Dreifuss muscular dystrophy 5, autosomal dominant. Last evaluated: 2018-01-13. Review status: criteria provided, single submitter. Criteria: ICSL Variant Classification Criteria 13 December 2019. Collection method: clinical testing. Allele origin: germline.
Comment: This variant was observed in the ICSL laboratory as part of a predisposition screen in an ostensibly healthy population. It had not been previously curated by ICSL or reported in the Human Gene Mutation Database (HGMD: prior to June 1st, 2018), and was therefore a candidate for classification through an automated scoring system. Utilizing variant allele frequency, disease prevalence and penetrance estimates, and inheritance mode, an automated score was calculated to assess if this variant is too frequent to cause the disease. Based on the score and internal cut-off values, a variant classified as benign is not then subjected to further curation. The score for this variant resulted in a classification of benign for this disease.

PreventionGenetics, part of Exact Sciences
Classification: Likely benign for SYNE2-related condition. Last evaluated: 2019-05-24. Review status: no assertion criteria provided. Collection method: clinical testing. Allele origin: germline. Not counted in ClinVar's aggregate classification.
Comment: This variant is classified as likely benign based on ACMG/AMP sequence variant interpretation guidelines (Richards et al. 2015 PMID: 25741868, with internal and published modifications).

NM_182914.3(SYNE2):c.13065A>G (p.Gln4355=)

Gene: SYNE2 (spectrin repeat containing nuclear envelope protein 2; plus strand). Cytogenetic location: 14q23.2.
Variant type: single nucleotide variant.
Coding change: c.13065A>G on transcript NM_182914.3 (MANE Select); coding-DNA position 13065, A replaced by G.
Protein change: p.Gln4355=; no amino-acid change (glutamine 4355 retained).
Molecular consequence: synonymous variant.
Genome position (GRCh38, 1-based): chr14:64,120,968, A>G. VCF-style: chr14-64120968-A-G. GRCh37 (hg19) VCF-style: chr14-64587686-A-G.
Other names: c.13065A>G, p.Gln4355= (NM_015180.6).
Identifiers: ClinVar variation 313583 (VCV000313583.31), dbSNP rs7147884, ClinGen allele CA7222343.
Genomic context (GRCh38, chr14:64,120,968, plus strand): 5'-ATTATGAAATGTTTTGCAGCATCCTACCATTCTAAAGAAATCCTCAGAGCCAGAGCATCA[A>G]GAAGCTCTCCAACCAGTTAACCTTTCTGAATTGGAATCCATTGTAACTGAAAGGCCACAA-3'
Protein context (NP_878918.2, residues 4345-4365): ILKKSSEPEH[Gln4355=]EALQPVNLSE